The following is an entry in ClinVar:

NM_001042681.2(RERE):c.348del (p.Arg117fs)

Gene: RERE (arginine-glutamic acid dipeptide repeats; minus strand). Cytogenetic location: 1p36.23.
Variant type: Deletion.
Coding change: c.348del on transcript NM_001042681.2 (MANE Select); coding-DNA position 348, one base deleted (G; older notation c.348delG).
Protein change: p.Arg117fs; shifts the reading frame from arginine 117.
Molecular consequence: frameshift variant.
Genome position (GRCh38, 1-based): chr1:8,624,358, C deleted on the plus strand (G on the coding strand, the reverse complement: RERE is on the minus strand); the first of 2 consecutive C bases (chr1:8,624,358-8,624,359); deleting either gives the same sequence. VCF-style (leftmost placement, unchanged base first): chr1-8624357-TC-T. GRCh37 (hg19) VCF-style: chr1-8684416-TC-T.
Other names: c.348del, p.Arg117fs (NM_012102.4); short protein forms R117fs.
Identifiers: ClinVar variation 1709777 (VCV001709777.2), dbSNP rs2522508735, ClinGen allele CA2580062563.

ClinVar aggregate classification (germline): Likely pathogenic (1 of 4 stars; one submission).

Conditions:
Neurodevelopmental disorder with or without anomalies of the brain, eye, or heart (NEDBEH). Identifiers: Orphanet 494344, MedGen C5567477, MONDO:0014857, OMIM 616975.

Submission:

MGZ Medical Genetics Center
Classification: Likely pathogenic for Neurodevelopmental disorder with or without anomalies of the brain, eye, or heart. Last evaluated: 2022-08-24. Review status: criteria provided, single submitter. Criteria: ACMG Guidelines, 2015. Collection method: clinical testing. Allele origin: germline. Affected: yes. Observed: 1 variant allele.
Comment: ACMG criteria applied: PVS1, PM2_SUP